The following is an entry in ClinVar:

NM_004415.4(DSP):c.1180G>A (p.Gly394Arg)

Gene: DSP (desmoplakin; plus strand). Cytogenetic location: 6p24.3.
Variant type: single nucleotide variant.
Coding change: c.1180G>A on transcript NM_004415.4 (MANE Select); coding-DNA position 1180, G replaced by A.
Protein change: p.Gly394Arg; replaces glycine 394 with arginine.
Molecular consequence: missense variant.
Genome position (GRCh38, 1-based): chr6:7,567,820, G>A. VCF-style: chr6-7567820-G-A. GRCh37 (hg19) VCF-style: chr6-7568053-G-A.
Other names: c.1180G>A (LRG_423t1); c.1180G>A, p.Gly394Arg (NM_001008844.3, NM_001319034.2); short protein forms G394R.
Identifiers: ClinVar variation 519251 (VCV000519251.6), dbSNP rs769054351, ClinGen allele CA027175.

ClinVar aggregate classification (germline): Conflicting classifications of pathogenicity. Review status: criteria provided, conflicting classifications (1 of 4 stars). 2 submissions from 2 submitters: Uncertain significance (1); Likely benign (1). Last evaluated 2024-08-08.

Conditions:
Cardiovascular phenotype. Identifiers: MedGen CN230736.
Arrhythmogenic cardiomyopathy with wooly hair and keratoderma. Also called: PALMOPLANTAR KERATODERMA WITH LEFT VENTRICULAR CARDIOMYOPATHY AND WOOLLY HAIR; Arrhythmogenic cardiomyopathy with woolly hair and keratoderma; Dilated cardiomyopathy with woolly hair and keratoderma; Carvajal syndrome. Identifiers: Orphanet 65282, MedGen C1854063, MONDO:0011581, OMIM 605676.
Arrhythmogenic right ventricular dysplasia 8 (ARVD8). Also called: ARRHYTHMOGENIC RIGHT VENTRICULAR CARDIOMYOPATHY 8; ARRHYTHMOGENIC RIGHT VENTRICULAR DYSPLASIA, FAMILIAL, 8; Arrhythmogenic Right Ventricular Dysplasia/Cardiomyopathy 8. Identifiers: MedGen C1843896, MONDO:0011831, OMIM 607450.

Allele frequency attached by ClinVar (database versions not stated): gnomAD exomes below 0.00001; ExAC 0.00001.
gnomAD v4.1: 1 of 1,613,976 alleles (0.000062%); highest among the groups gnomAD compares: Admixed American, 0.0017%; no homozygotes.

Submissions (2):

Labcorp Genetics (formerly Invitae), Labcorp
Classification: Likely benign for Arrhythmogenic cardiomyopathy with wooly hair and keratoderma; Arrhythmogenic right ventricular dysplasia 8. Last evaluated: 2024-08-08. Review status: criteria provided, single submitter. Criteria: Invitae Variant Classification Sherloc (09022015). Collection method: clinical testing. Allele origin: germline.

Ambry Genetics
Classification: Uncertain significance for Cardiovascular phenotype. Last evaluated: 2016-05-25. Review status: criteria provided, single submitter. Criteria: Ambry Autosomal Dominant and X-Linked criteria (10/2015). Collection method: clinical testing. Allele origin: germline. Observed: 1 variant allele.
Comment: The p.G394R variant (also known as c.1180G>A), located in coding exon 10 of the DSP gene, results from a G to A substitution at nucleotide position 1180. The glycine at codon 394 is replaced by arginine, an amino acid with dissimilar properties. Based on data fromExome Aggregation Consortium (ExAC), theA allele has an overall frequency of less than 0.01% (1/106056 total alleles).This variant was not reported in population based cohorts in the following databases: Database of Single Nucleotide Polymorphisms (dbSNP), NHLBI Exome Sequencing Project (ESP), and 1000 Genomes Project. In the ESP, this variant was not observed in 6503 samples (13006 alleles) with coverage at this position. This amino acid position is not well conserved in available vertebrate species. In addition, this alteration is predicted to be tolerated by in silico analysis.Since supporting evidence is limited at this time, the clinical significance of this variant remains unclear.